The following is an entry in ClinVar:

ClinVar aggregate classification (germline): Conflicting classifications of pathogenicity. Review status: criteria provided, conflicting classifications (1 of 4 stars). 4 submissions from 4 submitters: Likely pathogenic (1); Uncertain significance (2); Likely benign (1). Last evaluated 2026-06-08.

Conditions:
Primary ciliary dyskinesia. Also called: Ciliary dyskinesia. Identifiers: Orphanet 244, MedGen C0008780, MONDO:0016575, HP:0012265.
Primary ciliary dyskinesia 7. Also called: CILIARY DYSKINESIA, PRIMARY, 7, WITH OR WITHOUT SITUS INVERSUS. Identifiers: Orphanet 244, MedGen C2678473, MONDO:0012748, OMIM 611884.

Allele frequency attached by ClinVar (database versions not stated): TOPMed below 0.00001; gnomAD 0.00001 and 0.00003; ExAC 0.00004.
gnomAD v4.1: 26 of 1,613,424 alleles (0.0016%); highest among the groups gnomAD compares: South Asian, 0.011%; no homozygotes.

Submissions (4):

North East and Yorkshire NHS Genomic Laboratory Hub
Classification: Likely pathogenic for Primary ciliary dyskinesia 7. Last evaluated: 2026-06-08. Review status: criteria provided, single submitter. Criteria: ACMG Guidelines, 2015. Collection method: clinical testing. Allele origin: germline. Inheritance: Unknown mechanism. Affected: yes.
Comment: 'PP4_MOD;PM2;PP1_MOD;PM1_N/A;PM3;PM5_N/A;BP4;PP5_N/A'

Labcorp Genetics (formerly Invitae), Labcorp
Classification: Likely benign for Primary ciliary dyskinesia. Last evaluated: 2024-01-04. Review status: criteria provided, single submitter. Criteria: Invitae Variant Classification Sherloc (09022015). Collection method: clinical testing. Allele origin: germline.

3billion
Classification: Uncertain significance for Primary ciliary dyskinesia 7. Last evaluated: 2022-03-22. Review status: criteria provided, single submitter. Criteria: ACMG Guidelines, 2015. Collection method: clinical testing. Allele origin: germline. Affected: yes. Observed: 1 homozygote.
Comment: The variant is observed at an extremely low frequency in the gnomAD v2.1.1 dataset (total allele frequency: 0.0000362). Therefore, this variant is classified as uncertain significance according to the recommendation of ACMG/AMP guideline.

Laboratory for Molecular Medicine, Mass General Brigham Personalized Medicine
Classification: Uncertain significance. Last evaluated: 2013-09-27. Review status: criteria provided, single submitter. Criteria: LMM Criteria. Collection method: clinical testing. Allele origin: germline. Observed: 1 variant allele.
Comment: The Glu3481Lys variant in DNAH11 has not been previously reported in individuals with lung disease or in large population studies. Computational analyses (bioch emical amino acid properties, conservation, AlignGVGD, PolyPhen2, and SIFT) do n ot provide strong support for or against an impact to the protein. In summary, a dditional studies are needed to fully assess the clinical significance of the Gl u3481Lys variant.

NM_001277115.2(DNAH11):c.10441G>A (p.Glu3481Lys)

Gene: DNAH11 (dynein axonemal heavy chain 11; plus strand). Cytogenetic location: 7p15.3.
Variant type: single nucleotide variant.
Coding change: c.10441G>A on transcript NM_001277115.2 (MANE Select); coding-DNA position 10441, G replaced by A.
Protein change: p.Glu3481Lys; replaces glutamic acid 3481 with lysine.
Molecular consequence: missense variant.
Genome position (GRCh38, 1-based): chr7:21,816,575, G>A. VCF-style: chr7-21816575-G-A. GRCh37 (hg19) VCF-style: chr7-21856193-G-A.
Other names: short protein forms E3481K.
Identifiers: ClinVar variation 163120 (VCV000163120.16), dbSNP rs727502969, ClinGen allele CA175747.